The following is an entry in ClinVar:

NM_032805.3(ZSCAN10):c.84A>G (p.Pro28=)

Gene: ZSCAN10 (zinc finger and SCAN domain containing 10; minus strand). Cytogenetic location: 16p13.3.
Variant type: single nucleotide variant.
Coding change: c.84A>G on transcript NM_032805.3 (MANE Select); coding-DNA position 84, A replaced by G.
Protein change: p.Pro28=; no amino-acid change (proline 28 retained).
Molecular consequence: synonymous variant. On other transcripts: 5 prime UTR variant (2), intron variant (2).
Genome position (GRCh38, 1-based): chr16:3,092,854, T>C on the plus strand (A>G on the coding strand, the complement: ZSCAN10 is on the minus strand). VCF-style: chr16-3092854-T-C. GRCh37 (hg19) VCF-style: chr16-3142855-T-C.
Other names: c.-60A>G (NM_001282416.2, NM_001365272.1); c.-518-1026A>G (NM_001365273.1); c.-786-538A>G (NM_001282415.2).
Identifiers: ClinVar variation 4083669 (VCV004083669.8).

ClinVar aggregate classification (germline): Likely benign (1 of 4 stars; one submission).

gnomAD v4.1: 255 of 1,459,830 alleles (0.017%); highest among the groups gnomAD compares: South Asian, 0.067%; 1 homozygote.

Submission:

CeGaT Center for Human Genetics Tuebingen
Classification: Likely benign. Last evaluated: 2026-04-01. Review status: criteria provided, single submitter. Criteria: CeGaT Center For Human Genetics Tuebingen Variant Classification Criteria Version 2. Collection method: clinical testing. Allele origin: germline. Affected: yes. Observed: 2 variant alleles.
Comment: ZSCAN10: BP4, BP7